The following is an entry in ClinVar:

ClinVar aggregate classification (germline): Conflicting classifications of pathogenicity. Review status: criteria provided, conflicting classifications (1 of 4 stars). 14 submissions from 14 submitters: Uncertain significance (1); Benign (5); Likely benign (5). 3 of the submissions do not count toward it. Last evaluated 2026-06-01.

Conditions:
KIF1A-related disorder. Also called: KIF1A-related disorders; KIF1A-related condition.
Hereditary spastic paraplegia. Also called: Familial spastic paraparesis. Identifiers: Orphanet 685, MedGen C0037773, MONDO:0019064. Disease mechanism: loss of function.
Neuropathy, hereditary sensory, type 2C. Also called: Hereditary sensory and autonomic neuropathy type IIC; KIF1A-Related HSAN2 (HSAN2C). Identifiers: Orphanet 970, MedGen C3280168, MONDO:0013634, OMIM 614213.
Intellectual disability, autosomal dominant 9 (NESCAVS). Also called: NESCAV SYNDROME; KIF1A-Related Neurodevelopmental Disorder. Identifiers: Orphanet 662367, MedGen C5393830, MONDO:0013656, OMIM 614255.
Hereditary spastic paraplegia 30. Identifiers: Orphanet 101010, MedGen C5235139, MONDO:0012476.
Inborn genetic diseases. Identifiers: MedGen C0950123, MeSH D030342.

Allele frequency attached by ClinVar (database versions not stated): 1000 Genomes Project 30x 0.00078; 1000 Genomes Project 0.00080; TOPMed 0.00120; ESP Exome Variant Server 0.00140; gnomAD 0.00167 and 0.00175; gnomAD exomes 0.00200 and 0.00222; ExAC 0.00209.
gnomAD v4.1: 3,453 of 1,613,678 alleles (0.21%); highest among the groups gnomAD compares: Non-Finnish European, 0.24%; 3 homozygotes.

Submissions (14):

CeGaT Center for Human Genetics Tuebingen
Classification: Benign. Last evaluated: 2026-06-01. Review status: criteria provided, single submitter. Criteria: CeGaT Center For Human Genetics Tuebingen Variant Classification Criteria Version 2. Collection method: clinical testing. Allele origin: germline. Affected: yes. Observed: 8 variant alleles.
Comment: KIF1A: BP4, BS1, BS2

Labcorp Genetics (formerly Invitae), Labcorp
Classification: Benign for Hereditary spastic paraplegia 30; Neuropathy, hereditary sensory, type 2C; Intellectual disability, autosomal dominant 9. Last evaluated: 2026-01-28. Review status: criteria provided, single submitter. Criteria: Invitae Variant Classification Sherloc (09022015). Collection method: clinical testing. Allele origin: germline.

PreventionGenetics, part of Exact Sciences
Classification: Benign for KIF1A-related condition. Last evaluated: 2025-09-24. Review status: criteria provided, single submitter. Criteria: ACMG Guidelines, 2015. Collection method: clinical testing. Allele origin: germline.
Comment: This variant is classified as benign based on ACMG/AMP sequence variant interpretation guidelines (Richards et al. 2015 PMID: 25741868, with internal and published modifications).

Blueprint Genetics
Classification: Likely benign. Last evaluated: 2024-11-12. Review status: criteria provided, single submitter. Criteria: ACMG Guidelines, 2015. Collection method: clinical testing. Allele origin: germline.

Mayo Clinic Laboratories, Mayo Clinic
Classification: Benign. Last evaluated: 2024-04-02. Review status: criteria provided, single submitter. Criteria: ACMG Guidelines, 2015. Collection method: clinical testing. Allele origin: germline. Observed: 8 variant alleles.
Comment: BA1, BP4, BP7

Genome Diagnostics Laboratory, The Hospital for Sick Children
Classification: Likely benign for Hereditary spastic paraplegia. Last evaluated: 2021-04-08. Review status: criteria provided, single submitter. Criteria: ACMG Guidelines, 2015. Collection method: clinical testing. Allele origin: germline. Affected: yes.

Genetic Services Laboratory, University of Chicago
Classification: Likely benign. Last evaluated: 2021-03-23. Review status: criteria provided, single submitter. Criteria: ACMG Guidelines, 2015. Collection method: clinical testing. Allele origin: germline. Affected: no.

Illumina Laboratory Services, Illumina
Classification: Uncertain significance for Spastic paraplegia 30A, autosomal dominant. Last evaluated: 2018-01-12. Review status: criteria provided, single submitter. Criteria: ICSL Variant Classification Criteria 13 December 2019. Collection method: clinical testing. Allele origin: germline.

Ambry Genetics
Classification: Likely benign for Inborn genetic diseases. Last evaluated: 2017-04-04. Review status: criteria provided, single submitter. Criteria: Ambry Variant Classification Scheme 2023. Collection method: clinical testing. Allele origin: germline.

Athena Diagnostics
Classification: Likely benign. Last evaluated: 2017-03-09. Review status: criteria provided, single submitter. Criteria: Athena Diagnostics Criteria. Collection method: clinical testing. Allele origin: germline.

GeneDx
Classification: Benign. Last evaluated: 2015-03-31. Review status: criteria provided, single submitter. Criteria: GeneDx Variant Classification (06012015). Collection method: clinical testing. Allele origin: germline. Affected: yes.
Comment: This variant is considered likely benign or benign based on one or more of the following criteria: it is a conservative change, it occurs at a poorly conserved position in the protein, it is predicted to be benign by multiple in silico algorithms, and/or has population frequency not consistent with disease.

Clinical Genetics DNA and cytogenetics Diagnostics Lab, Erasmus MC, Erasmus Medical Center
Classification: Likely benign. Review status: no assertion criteria provided. Collection method: clinical testing. Allele origin: germline. Affected: yes. Study: VKGL Data-share Consensus. Not counted in ClinVar's aggregate classification.

Clinical Genetics, Academic Medical Center
Classification: Likely benign. Review status: no assertion criteria provided. Collection method: clinical testing. Allele origin: germline. Affected: yes. Study: VKGL Data-share Consensus. Not counted in ClinVar's aggregate classification.

Genome Diagnostics Laboratory, University Medical Center Utrecht
Classification: Likely benign. Review status: no assertion criteria provided. Collection method: clinical testing. Allele origin: germline. Affected: yes. Study: VKGL Data-share Consensus. Not counted in ClinVar's aggregate classification.

NM_001244008.2(KIF1A):c.2958G>C (p.Val986=)

Gene: KIF1A (kinesin family member 1A; minus strand). Cytogenetic location: 2q37.3.
Variant type: single nucleotide variant.
Coding change: c.2958G>C on transcript NM_001244008.2 (MANE Select); coding-DNA position 2958, G replaced by C.
Protein change: p.Val986=; no amino-acid change (valine 986 retained).
Molecular consequence: synonymous variant.
Genome position (GRCh38, 1-based): chr2:240,750,448, C>G on the plus strand (G>C on the coding strand, the complement: KIF1A is on the minus strand). VCF-style: chr2-240750448-C-G. GRCh37 (hg19) VCF-style: chr2-241689865-C-G.
Other names: p.Val885=; c.2682G>C, p.Val894= (NM_001320705.2, NM_001330289.2, NM_001379638.1); c.2757G>C, p.Val919= (NM_001330290.2, NM_001379634.1, NM_001379635.1 and 1 more transcripts); c.3033G>C, p.Val1011= (NM_001379631.1); c.2907G>C, p.Val969= (NM_001379632.1); c.2931G>C, p.Val977= (NM_001379633.1, NM_001379642.1, NM_001379645.1); c.2655G>C, p.Val885= (NM_001379636.1, NM_001379639.1, NM_001379640.1 and 6 more transcripts); c.2730G>C, p.Val910= (NM_001379637.1, NM_001379648.1); and 1 more.
Identifiers: ClinVar variation 211281 (VCV000211281.57), dbSNP rs186881889, ClinGen allele CA208542.